The following is an entry in ClinVar:

NM_024989.4(PGAP1):c.691C>T (p.Arg231Ter)

Gene: PGAP1 (post-GPI attachment to proteins inositol deacylase 1; minus strand). Cytogenetic location: 2q33.1.
Variant type: single nucleotide variant.
Coding change: c.691C>T on transcript NM_024989.4 (MANE Select); coding-DNA position 691, C replaced by T.
Protein change: p.Arg231Ter; replaces arginine 231 with a stop codon.
Molecular consequence: nonsense. On other transcripts: 5 prime UTR variant (1).
Genome position (GRCh38, 1-based): chr2:196,902,701, G>A on the plus strand (C>T on the coding strand, the complement: PGAP1 is on the minus strand). VCF-style: chr2-196902701-G-A. GRCh37 (hg19) VCF-style: chr2-197767425-G-A.
Other names: c.169C>T, p.Arg57Ter (NM_001321099.2); c.-421C>T (NM_001321100.2); short protein forms R231*, R57*.
Identifiers: ClinVar variation 450534 (VCV000450534.6), dbSNP rs1364192556, ClinGen allele CA350177978.
Genomic context (GRCh38, chr2:196,902,701, plus strand): 5'-AACGAACTTGGTAATCCCGGAATCCTCCAGCTACAGAAAGTGTGGTTAAATTTATGTGTC[G>A]AGCATTTAGAATCCAATAGTTGTTTACAGTCGTATAAAAATCTGGTGGGGAATAAAAAAG-3'

ClinVar aggregate classification (germline): Pathogenic/Likely pathogenic. Review status: criteria provided, multiple submitters, no conflicts (2 of 4 stars). 3 submissions from 3 submitters: Pathogenic (1); Likely pathogenic (2). Last evaluated 2021-09-15.

Allele frequency attached by ClinVar (database versions not stated): gnomAD 0.00001; gnomAD exomes below 0.00001.
gnomAD v4.1: 3 of 1,611,716 alleles (0.00019%); highest among the groups gnomAD compares: Non-Finnish European, 0.00017%; no homozygotes.

Submissions (3):

Institute of Medical Genetics and Applied Genomics, University Hospital Tübingen
Classification: Pathogenic. Last evaluated: 2021-09-15. Review status: criteria provided, single submitter. Criteria: ACMG Guidelines, 2015. Collection method: clinical testing. Allele origin: germline. Inheritance: Autosomal recessive inheritance. Affected: yes.

GeneDx
Classification: Likely pathogenic. Last evaluated: 2021-04-21. Review status: criteria provided, single submitter. Criteria: GeneDx Variant Classification Process June 2021. Collection method: clinical testing. Allele origin: germline. Affected: yes.
Comment: Nonsense variant predicted to result in protein truncation or nonsense mediated decay in a gene for which loss-of-function is a known mechanism of disease; Not observed at a significant frequency in large population cohorts (Lek et al., 2016); Has not been previously published as pathogenic or benign to our knowledge

Laboratorio de Genetica e Diagnostico Molecular, Hospital Israelita Albert Einstein
Classification: Likely pathogenic. Last evaluated: 2019-08-21. Review status: criteria provided, single submitter. Criteria: ACMG Guidelines, 2015. Collection method: clinical testing. Allele origin: germline. Affected: yes.
Comment: ACMG classification criteria: PVS1, PM2